The following is an entry in ClinVar:

NM_001035.3(RYR2):c.10415G>A (p.Arg3472Gln)

Gene: RYR2 (ryanodine receptor 2; plus strand). Cytogenetic location: 1q43.
Variant type: single nucleotide variant.
Coding change: c.10415G>A on transcript NM_001035.3 (MANE Select); coding-DNA position 10415, G replaced by A.
Protein change: p.Arg3472Gln; replaces arginine 3472 with glutamine.
Molecular consequence: missense variant.
Genome position (GRCh38, 1-based): chr1:237,717,289, G>A. VCF-style: chr1-237717289-G-A. GRCh37 (hg19) VCF-style: chr1-237880589-G-A.
Other names: short protein forms R3472Q.
Identifiers: ClinVar variation 2201460 (VCV002201460.5), dbSNP rs1460432238, ClinGen allele CA063896.

ClinVar aggregate classification (germline): Uncertain significance. Review status: criteria provided, multiple submitters, no conflicts (2 of 4 stars). 2 submissions from 2 submitters: Uncertain significance (2). Last evaluated 2023-10-23.

Conditions:
Catecholaminergic polymorphic ventricular tachycardia 1. Also called: VENTRICULAR TACHYCARDIA, STRESS-INDUCED POLYMORPHIC 1; VENTRICULAR TACHYCARDIA, CATECHOLAMINERGIC POLYMORPHIC, 1, WITH OR WITHOUT ATRIAL DYSFUNCTION AND/OR DILATED CARDIOMYOPATHY; RYR2-Related Catecholaminergic Polymorphic Ventricular Tachycardia. Identifiers: Orphanet 3286, MedGen C1631597, MONDO:0011484, OMIM 604772.
Catecholaminergic polymorphic ventricular tachycardia (CVPT). Also called: Catecholamine-induced polymorphic ventricular tachycardia. Identifiers: Orphanet 3286, MedGen C5574922, MONDO:0017990.

Allele frequency attached by ClinVar (database versions not stated): gnomAD 0.00001.
gnomAD v4.1: 2 of 1,613,222 alleles (0.00012%); no homozygotes.

Submissions (2):

All of Us Research Program, National Institutes of Health
Classification: Uncertain significance for Catecholaminergic polymorphic ventricular tachycardia. Last evaluated: 2023-10-23. Review status: criteria provided, single submitter. Criteria: ACMG Guidelines, 2015. Collection method: clinical testing. Allele origin: germline. Inheritance: Autosomal dominant inheritance. Observed: 1 variant allele, 1 heterozygote.
Comment: This missense variant replaces arginine with glutamine at codon 3472 of the RYR2 protein. Computational prediction suggests that this variant may not impact protein structure and function (internally defined REVEL score threshold <= 0.5, PMID: 27666373). To our knowledge, functional studies have not been reported for this variant. This variant has not been reported in individuals affected with RYR2-related disorders in the literature. This variant has been identified in 1/31392 chromosomes in the general population by the Genome Aggregation Database (gnomAD). The available evidence is insufficient to determine the role of this variant in disease conclusively. Therefore, this variant is classified as a Variant of Uncertain Significance.

This study involves interpretation of variants in research participants for the purpose of population health screening. Participant phenotype was not available at the time of variant classification. Additional details can be found in publication PMID: 35346344, PMCID: PMC8962531

Labcorp Genetics (formerly Invitae), Labcorp
Classification: Uncertain significance for Catecholaminergic polymorphic ventricular tachycardia 1. Last evaluated: 2023-08-31. Review status: criteria provided, single submitter. Criteria: Invitae Variant Classification Sherloc (09022015). Collection method: clinical testing. Allele origin: germline.
Comment: This variant has not been reported in the literature in individuals affected with RYR2-related conditions. In summary, the available evidence is currently insufficient to determine the role of this variant in disease. Therefore, it has been classified as a Variant of Uncertain Significance. ClinVar contains an entry for this variant (Variation ID: 2201460). Advanced modeling of protein sequence and biophysical properties (such as structural, functional, and spatial information, amino acid conservation, physicochemical variation, residue mobility, and thermodynamic stability) performed at Invitae indicates that this missense variant is expected to disrupt RYR2 protein function. This sequence change replaces arginine, which is basic and polar, with glutamine, which is neutral and polar, at codon 3472 of the RYR2 protein (p.Arg3472Gln). This variant is present in population databases (no rsID available, gnomAD 0.03%).